The following is an entry in ClinVar:

ClinVar aggregate classification (germline): Uncertain significance (1 of 4 stars; one submission).

Allele frequency attached by ClinVar (database versions not stated): gnomAD exomes below 0.00001; ExAC 0.00003.
gnomAD v4.1: 5 of 1,613,334 alleles (0.00031%); highest among the groups gnomAD compares: East Asian, 0.0022%; no homozygotes.

Submission:

Labcorp Genetics (formerly Invitae), Labcorp
Classification: Uncertain significance. Last evaluated: 2024-10-16. Review status: criteria provided, single submitter. Criteria: Invitae Variant Classification Sherloc (09022015). Collection method: clinical testing. Allele origin: germline.
Comment: This sequence change replaces arginine, which is basic and polar, with cysteine, which is neutral and slightly polar, at codon 180 of the PSMG2 protein (p.Arg180Cys). This variant is present in population databases (rs747469553, gnomAD 0.006%). This variant has not been reported in the literature in individuals affected with PSMG2-related conditions. An algorithm developed to predict the effect of missense changes on protein structure and function (PolyPhen-2) suggests that this variant is likely to be tolerated. In summary, the available evidence is currently insufficient to determine the role of this variant in disease. Therefore, it has been classified as a Variant of Uncertain Significance.

NM_020232.5(PSMG2):c.538C>T (p.Arg180Cys)

Gene: PSMG2 (proteasome assembly chaperone 2; plus strand). Cytogenetic location: 18p11.21.
Variant type: single nucleotide variant.
Coding change: c.538C>T on transcript NM_020232.5 (MANE Select); coding-DNA position 538, C replaced by T.
Protein change: p.Arg180Cys; replaces arginine 180 with cysteine.
Molecular consequence: missense variant.
Genome position (GRCh38, 1-based): chr18:12,720,640, C>T. VCF-style: chr18-12720640-C-T. GRCh37 (hg19) VCF-style: chr18-12720639-C-T.
Other names: c.445C>T, p.Arg149Cys (NM_147163.2); short protein forms R149C, R180C.
Identifiers: ClinVar variation 2963133 (VCV002963133.3), dbSNP rs747469553, ClinGen allele CA8898427.